The following is an entry in ClinVar:

NM_000518.5(HBB):c.316-1del

Genes: HBB (hemoglobin subunit beta; minus strand), LOC107133510 (origin of replication at HBB; plus strand), LOC110006319 (beta-globin gene 3' regulatory region; plus strand). Cytogenetic location: 11p15.4.
Variant type: Deletion.
Coding change: c.316-1del on transcript NM_000518.5 (MANE Select); the canonical splice acceptor site of the intron before coding-DNA position 316, one base deleted (G; older notation c.316-1delG).
Molecular consequence: splice acceptor variant.
Genome position (GRCh38, 1-based): chr11:5,225,727, C deleted on the plus strand (G on the coding strand, the reverse complement: HBB is on the minus strand). VCF-style (leftmost placement, unchanged base first): chr11-5225726-GC-G. GRCh37 (hg19) VCF-style: chr11-5246956-GC-G.
Other names: IVS II-850 (-G).
Identifiers: ClinVar variation 869234 (VCV000869234.3), dbSNP rs63750692, ClinGen allele CA5839704.

ClinVar aggregate classification (germline): Pathogenic. Review status: criteria provided, single submitter (1 of 4 stars). 2 submissions from 2 submitters: Pathogenic (1). 1 of the submissions does not count toward it. Last evaluated 2026-02-23.

Conditions:
beta Thalassemia (BTHAL). Also called: Cooley's anemia; Erythroblastic anemia; Mediterranean anemia. Identifiers: Orphanet 848, MedGen C0005283, MONDO:0019402. Disease mechanism: loss of function.

Allele frequency attached by ClinVar (database versions not stated): ExAC 0.00001; gnomAD exomes below 0.00001.

Submissions (2):

Dasa
Classification: Pathogenic. Last evaluated: 2026-02-23. Review status: criteria provided, single submitter. Criteria: DASA Assertion Criteria. Collection method: clinical testing. Allele origin: germline.
Comment: NM_000518.5(HBB):c.316-1del affects a canonical splice site and is predicted to disrupt normal RNA splicing, leading to loss of normal protein function. Loss-of-function is an established mechanism of disease for this gene. This variant results in the same amino acid change as a previously established pathogenic variant. This variant has been reported in individuals with related phenotype (PMID: 20301599). The variant is present at low frequency in population datasets. Based on the available data, this variant is classified as pathogenic.

The ITHANET community portal, The Cyprus Institute of Neurology and Genetics
Classification: Pathogenic for beta Thalassemia. Last evaluated: 2019-11-25. Review status: no assertion criteria provided. Collection method: curation. Allele origin: germline. Not counted in ClinVar's aggregate classification.

Literature cited by the submitters: PubMed 20301599 (cited by Dasa); PubMed 1511973 (cited by The ITHANET community portal, The Cyprus Institute of Neurology and Genetics).